The following is an entry in ClinVar:

ClinVar aggregate classification (germline): Benign/Likely benign. Review status: criteria provided, multiple submitters, no conflicts (2 of 4 stars). 3 submissions from 3 submitters: Benign (1); Likely benign (1). 1 of the submissions does not count toward it. Last evaluated 2026-01-22.

Conditions:
Encephalopathy, acute, infection-induced (herpes-specific), susceptibility to, 1. Also called: Herpes simplex encephalitis, susceptibility to, 1. Identifiers: Orphanet 1930, MedGen C2750180, MONDO:0024563, OMIM 610551.
UNC93B1-related disorder. Also called: UNC93B1 related condition.

Allele frequency attached by ClinVar (database versions not stated): ExAC 0.00083; 1000 Genomes Project 30x 0.00422; gnomAD 0.00103 and 0.00090; gnomAD exomes 0.00111 and 0.00051; TOPMed 0.00139; 1000 Genomes Project 0.00659.
gnomAD v4.1: 833 of 1,376,864 alleles (0.06%); highest among the groups gnomAD compares: East Asian, 2.3%; 10 homozygotes.

Submissions (3):

Labcorp Genetics (formerly Invitae), Labcorp
Classification: Benign for Encephalopathy, acute, infection-induced (herpes-specific), susceptibility to, 1. Last evaluated: 2026-01-22. Review status: criteria provided, single submitter. Criteria: Invitae Variant Classification Sherloc (09022015). Collection method: clinical testing. Allele origin: germline.

Blueprint Genetics
Classification: Likely benign. Last evaluated: 2024-11-07. Review status: criteria provided, single submitter. Criteria: ACMG Guidelines, 2015. Collection method: clinical testing. Allele origin: germline.

PreventionGenetics, part of Exact Sciences
Classification: Benign for UNC93B1-related condition. Last evaluated: 2024-02-09. Review status: no assertion criteria provided. Collection method: clinical testing. Allele origin: germline. Not counted in ClinVar's aggregate classification.
Comment: This variant is classified as benign based on ACMG/AMP sequence variant interpretation guidelines (Richards et al. 2015 PMID: 25741868, with internal and published modifications).

NM_030930.4(UNC93B1):c.96+10G>A

Gene: UNC93B1 (unc-93B1 regulator of TLR signaling; minus strand). Cytogenetic location: 11q13.2.
Variant type: single nucleotide variant.
Coding change: c.96+10G>A on transcript NM_030930.4 (MANE Select); 10 bases into the intron after coding-DNA position 96, G replaced by A.
Molecular consequence: intron variant.
Genome position (GRCh38, 1-based): chr11:68,003,938, C>T on the plus strand (G>A on the coding strand, the complement: UNC93B1 is on the minus strand). VCF-style: chr11-68003938-C-T. GRCh37 (hg19) VCF-style: chr11-67771408-C-T.
Identifiers: ClinVar variation 708140 (VCV000708140.14), dbSNP rs188940236, ClinGen allele CA6145729.